The following is an entry in ClinVar:

ClinVar aggregate classification (germline): Uncertain significance (1 of 4 stars; one submission).

Conditions:
Autoimmune interstitial lung disease-arthritis syndrome. Also called: Autoinflammation and autoimmunity, systemic, with immune dysregulation. Identifiers: Orphanet 444092, MedGen C5975714, MONDO:0014629.

Allele frequency attached by ClinVar (database versions not stated): ExAC 0.00001; gnomAD exomes 0.00001.
gnomAD v4.1: 18 of 1,606,586 alleles (0.0011%); highest among the groups gnomAD compares: Admixed American, 0.0017%; no homozygotes.

Submission:

Labcorp Genetics (formerly Invitae), Labcorp
Classification: Uncertain significance for Autoimmune interstitial lung disease-arthritis syndrome. Last evaluated: 2025-03-31. Review status: criteria provided, single submitter. Criteria: Invitae Variant Classification Sherloc (09022015). Collection method: clinical testing. Allele origin: germline.
Comment: This sequence change falls in intron 3 of the COPA gene. It does not directly change the encoded amino acid sequence of the COPA protein. It affects a nucleotide within the consensus splice site. The frequency data for this variant in the population databases is considered unreliable, as metrics indicate poor data quality at this position in the gnomAD database. This variant has not been reported in the literature in individuals affected with COPA-related conditions. ClinVar contains an entry for this variant (Variation ID: 961388). Variants that disrupt the consensus splice site are a relatively common cause of aberrant splicing (PMID: 17576681, 9536098). Algorithms developed to predict the effect of sequence changes on RNA splicing suggest that this variant is not likely to affect RNA splicing. In summary, the available evidence is currently insufficient to determine the role of this variant in disease. Therefore, it has been classified as a Variant of Uncertain Significance.

Literature cited by the submitters: PubMed 17576681; PubMed 9536098.

NM_004371.4(COPA):c.229-3C>T

Gene: COPA (coat protein complex I subunit alpha; minus strand). Cytogenetic location: 1q23.2.
Variant type: single nucleotide variant.
Coding change: c.229-3C>T on transcript NM_004371.4 (MANE Select); 3 bases into the intron before coding-DNA position 229, C replaced by T.
Molecular consequence: intron variant.
Genome position (GRCh38, 1-based): chr1:160,335,325, G>A on the plus strand (C>T on the coding strand, the complement: COPA is on the minus strand). VCF-style: chr1-160335325-G-A. GRCh37 (hg19) VCF-style: chr1-160305115-G-A.
Other names: c.229-3C>T (NM_001098398.2).
Identifiers: ClinVar variation 961388 (VCV000961388.7), dbSNP rs769582641, ClinGen allele CA1198424.
Genomic context (GRCh38, chr1:160,335,325, plus strand): 5'-TATAATCTAAGTGCCCAAGCAATGTGAAAAGACAGCGCCGAAGCTTGTAATTCCAAACCT[G>A]CAAAGACAAATCAAACTAAGAAACAGAAATAGTTATTGAGCCTCTAAAAGGCTCAGAGAA-3'